The following is an entry in ClinVar:

ClinVar aggregate classification (germline): Uncertain significance (1 of 4 stars; one submission).

Conditions:
Dilated cardiomyopathy 1AA (CMD1AA). Also called: CARDIOMYOPATHY, DILATED, 1AA, WITH OR WITHOUT LEFT VENTRICULAR NONCOMPACTION; CARDIOMYOPATHY, FAMILIAL HYPERTROPHIC, 23, WITH OR WITHOUT LEFT VENTRICULAR NONCOMPACTION; Cardiomyopathy, dilated, 1AA, with or without LVNC. Identifiers: Orphanet 154, MedGen C2677338, MONDO:0012808, OMIM 612158.
Primary familial hypertrophic cardiomyopathy (HCM). Identifiers: Orphanet 99739, MedGen C0949658, MeSH D024741, MONDO:0024573. Inheritance: Various modes of inheritance.

Submission:

Labcorp Genetics (formerly Invitae), Labcorp
Classification: Uncertain significance for Primary familial hypertrophic cardiomyopathy; Dilated cardiomyopathy 1AA. Last evaluated: 2023-02-05. Review status: criteria provided, single submitter. Criteria: Invitae Variant Classification Sherloc (09022015). Collection method: clinical testing. Allele origin: germline.
Comment: In summary, the available evidence is currently insufficient to determine the role of this variant in disease. Therefore, it has been classified as a Variant of Uncertain Significance. Advanced modeling of protein sequence and biophysical properties (such as structural, functional, and spatial information, amino acid conservation, physicochemical variation, residue mobility, and thermodynamic stability) performed at Invitae indicates that this missense variant is expected to disrupt ACTN2 protein function. This variant has not been reported in the literature in individuals affected with ACTN2-related conditions. This variant is not present in population databases (gnomAD no frequency). This sequence change replaces leucine, which is neutral and non-polar, with proline, which is neutral and non-polar, at codon 320 of the ACTN2 protein (p.Leu320Pro).

NM_001103.4(ACTN2):c.959T>C (p.Leu320Pro)

Gene: ACTN2 (actinin alpha 2; plus strand). Cytogenetic location: 1q43.
Variant type: single nucleotide variant.
Coding change: c.959T>C on transcript NM_001103.4 (MANE Select); coding-DNA position 959, T replaced by C.
Protein change: p.Leu320Pro; replaces leucine 320 with proline.
Molecular consequence: missense variant. On other transcripts: non-coding transcript variant (1).
Genome position (GRCh38, 1-based): chr1:236,739,384, T>C. VCF-style: chr1-236739384-T-C. GRCh37 (hg19) VCF-style: chr1-236902684-T-C.
Other names: c.959T>C, p.Leu320Pro (NM_001278343.2); c.335T>C, p.Leu112Pro (NM_001278344.2); c.209T>C, p.Leu70Pro (NM_001412150.1); short protein forms L320P, L70P, L112P.
Identifiers: ClinVar variation 2943968 (VCV002943968.3), dbSNP rs1407369744, ClinGen allele CA345380324.